The following is an entry in ClinVar:

ClinVar aggregate classification (germline): Pathogenic. Review status: criteria provided, multiple submitters, no conflicts (2 of 4 stars). 2 submissions from 2 submitters: Pathogenic (2). Last evaluated 2023-04-26.

Conditions:
Microcephaly, normal intelligence and immunodeficiency (NBS). Also called: BERLIN BREAKAGE SYNDROME; SEEMANOVA SYNDROME II; Ataxia telangiectasia variant V1; IMMUNODEFICIENCY, MICROCEPHALY, AND CHROMOSOMAL INSTABILITY; Immunodeficiency, microcephaly with normal intelligence; Nijmegen breakage syndrome. Identifiers: Orphanet 647, MedGen C0398791, MONDO:0009623, OMIM 251260.
Hereditary cancer-predisposing syndrome. Also called: Hereditary neoplastic syndrome; Tumor predisposition; Hereditary Cancer Syndrome; Neoplastic Syndromes, Hereditary. Identifiers: Orphanet 140162, MedGen C0027672, MeSH D009386, MONDO:0015356.

Submissions (2):

Ambry Genetics
Classification: Pathogenic for Hereditary cancer-predisposing syndrome. Last evaluated: 2023-04-26. Review status: criteria provided, single submitter. Criteria: Ambry Variant Classification Scheme 2023. Collection method: clinical testing. Allele origin: germline.
Comment: The c.468delA pathogenic mutation, located in coding exon 4 of the NBN gene, results from a deletion of one nucleotide at nucleotide position 468, causing a translational frameshift with a predicted alternate stop codon (p.V157Lfs*16). This alteration is expected to result in loss of function by premature protein truncation or nonsense-mediated mRNA decay. As such, this alteration is interpreted as a disease-causing mutation.

Labcorp Genetics (formerly Invitae), Labcorp
Classification: Pathogenic for Microcephaly, normal intelligence and immunodeficiency. Last evaluated: 2021-12-07. Review status: criteria provided, single submitter. Criteria: Invitae Variant Classification Sherloc (09022015). Collection method: clinical testing. Allele origin: germline.
Comment: ClinVar contains an entry for this variant (Variation ID: 577077). This sequence change creates a premature translational stop signal (p.Val157Leufs*16) in the NBN gene. It is expected to result in an absent or disrupted protein product. Loss-of-function variants in NBN are known to be pathogenic (PMID: 9590180, 16415040). This variant is not present in population databases (gnomAD no frequency). This variant has not been reported in the literature in individuals affected with NBN-related conditions. For these reasons, this variant has been classified as Pathogenic.

Literature cited by the submitters: PubMed 9590180 (cited by Labcorp Genetics (formerly Invitae), Labcorp); PubMed 16415040 (cited by Labcorp Genetics (formerly Invitae), Labcorp).

NM_002485.5(NBN):c.468del (p.Val157fs)

Gene: NBN (nibrin; minus strand). Cytogenetic location: 8q21.3.
Variant type: Deletion.
Coding change: c.468del on transcript NM_002485.5 (MANE Select); coding-DNA position 468, one base deleted (A; older notation c.468delA).
Protein change: p.Val157fs; shifts the reading frame from valine 157.
Molecular consequence: frameshift variant.
Genome position (GRCh38, 1-based): chr8:89,980,746, T deleted on the plus strand (A on the coding strand, the reverse complement: NBN is on the minus strand); the first of 3 consecutive T bases (chr8:89,980,746-89,980,748); deleting any one gives the same sequence. VCF-style (leftmost placement, unchanged base first): chr8-89980745-CT-C. GRCh37 (hg19) VCF-style: chr8-90992973-CT-C.
Other names: c.468delA (NM_002485.4); c.222del, p.Val75fs (NM_001024688.3); short protein forms V157fs, V75fs.
Identifiers: ClinVar variation 577077 (VCV000577077.10), dbSNP rs1563578596, ClinGen allele CA891842944.
Genomic context (GRCh38, chr8:89,980,745, plus strand): 5'-TAAATTCAAATAACTTATTTTTAACATAAGAACAAGACATTCAACCTACTTTAATGGTAA[CT>C]TTCACTGATACCATGACAAGGTGAGTGCATTCTTCTGTCCAATTGTTTACAGTAAATCCT-3'